The following is an entry in ClinVar:

NM_021224.6(ZNF462):c.3533G>T (p.Arg1178Leu)

Gene: ZNF462 (zinc finger protein 462; plus strand). Cytogenetic location: 9q31.2.
Variant type: single nucleotide variant.
Coding change: c.3533G>T on transcript NM_021224.6 (MANE Select); coding-DNA position 3533, G replaced by T.
Protein change: p.Arg1178Leu; replaces arginine 1178 with leucine.
Molecular consequence: missense variant. On other transcripts: intron variant (1).
Genome position (GRCh38, 1-based): chr9:106,927,445, G>T. VCF-style: chr9-106927445-G-T. GRCh37 (hg19) VCF-style: chr9-109689726-G-T.
Other names: c.3252+281G>T (NM_001347997.2); short protein forms R1178L.
Identifiers: ClinVar variation 3364088 (VCV003364088.1).

ClinVar aggregate classification (germline): Uncertain significance (1 of 4 stars; one submission).

Submission:

GeneDx
Classification: Uncertain significance. Last evaluated: 2023-11-08. Review status: criteria provided, single submitter. Criteria: GeneDx Variant Classification Process June 2021. Collection method: clinical testing. Allele origin: germline. Affected: yes.
Comment: Not observed at significant frequency in large population cohorts (gnomAD); In silico analysis supports that this missense variant does not alter protein structure/function; Has not been previously published as pathogenic or benign to our knowledge